The following is an entry in ClinVar:

NM_002114.4(HIVEP1):c.5013G>C (p.Gln1671His)

Gene: HIVEP1 (HIVEP zinc finger 1; plus strand). Cytogenetic location: 6p24.1.
Variant type: single nucleotide variant.
Coding change: c.5013G>C on transcript NM_002114.4 (MANE Select); coding-DNA position 5013, G replaced by C.
Protein change: p.Gln1671His; replaces glutamine 1671 with histidine.
Molecular consequence: missense variant.
Genome position (GRCh38, 1-based): chr6:12,124,808, G>C. VCF-style: chr6-12124808-G-C. GRCh37 (hg19) VCF-style: chr6-12125041-G-C.
Other names: c.5013G>C (NM_002114.2); short protein forms Q1671H.
Identifiers: ClinVar variation 3353137 (VCV003353137.2).

ClinVar aggregate classification (germline): Uncertain significance. Review status: criteria provided, single submitter (1 of 4 stars). 2 submissions from 2 submitters: Uncertain significance (1). 1 of the submissions does not count toward it. Last evaluated 2024-08-28.

Conditions:
HIVEP1-related disorder. Also called: HIVEP1-related condition.

gnomAD v4.1: 7 of 1,614,030 alleles (0.00043%); highest among the groups gnomAD compares: Admixed American, 0.005%; no homozygotes.

Submissions (2):

Ambry Genetics
Classification: Uncertain significance. Last evaluated: 2024-08-28. Review status: criteria provided, single submitter. Criteria: Ambry Variant Classification Scheme 2023. Collection method: clinical testing. Allele origin: germline.

PreventionGenetics, part of Exact Sciences
Classification: Uncertain significance for HIVEP1-related condition. Last evaluated: 2024-09-12. Review status: no assertion criteria provided. Collection method: clinical testing. Allele origin: germline. Not counted in ClinVar's aggregate classification.
Comment: The HIVEP1 c.5013G>C variant is predicted to result in the amino acid substitution p.Gln1671His. To our knowledge, this variant has not been reported in the literature or in a large population database, indicating this variant is rare. At this time, the clinical significance of this variant is uncertain due to the absence of conclusive functional and genetic evidence.